The following is an entry in ClinVar:

NM_001278293.3(ARL6):c.525C>T (p.Asp175=)

Gene: ARL6 (ARF like GTPase 6; plus strand). Cytogenetic location: 3q11.2.
Variant type: single nucleotide variant.
Coding change: c.525C>T on transcript NM_001278293.3 (MANE Select); coding-DNA position 525, C replaced by T.
Protein change: p.Asp175=; no amino-acid change (aspartic acid 175 retained).
Molecular consequence: synonymous variant. On other transcripts: non-coding transcript variant (6), intron variant (1).
Genome position (GRCh38, 1-based): chr3:97,791,816, C>T. VCF-style: chr3-97791816-C-T. GRCh37 (hg19) VCF-style: chr3-97510660-C-T.
Other names: c.525C>T, p.Asp175= (NM_001323513.2, NM_032146.5, NM_177976.3); c.479+3697C>T (NM_001323514.2).
Identifiers: ClinVar variation 3345464 (VCV003345464.1).
Genomic context (GRCh38, chr3:97,791,816, plus strand): 5'-TGGATTTCATTTCAGTGCTAGTGATGCCATAAAAGGAGAAGGCTTGCAAGAAGGTGTAGA[C>T]TGGCTTCAAGGTACATTACAAAATACTGTGTGTCTTCAGCCTTTGTTTCCTTTTTATTCA-3'
Protein context (NP_001265222.1, residues 165-185): IKGEGLQEGV[Asp175=]WLQDQIQTVK

ClinVar aggregate classification (germline): Likely benign (0 of 4 stars; one submission).

Conditions:
ARL6-related disorder. Also called: ARL6-related condition.

Submission:

PreventionGenetics, part of Exact Sciences
Classification: Likely benign for ARL6-related condition. Last evaluated: 2024-06-11. Review status: no assertion criteria provided. Collection method: clinical testing. Allele origin: germline.
Comment: This variant is classified as likely benign based on ACMG/AMP sequence variant interpretation guidelines (Richards et al. 2015 PMID: 25741868, with internal and published modifications).